The following is an entry in ClinVar:

NM_000321.3(RB1):c.501-3C>A

Gene: RB1 (RB transcriptional corepressor 1; plus strand). Cytogenetic location: 13q14.2.
Variant type: single nucleotide variant.
Coding change: c.501-3C>A on transcript NM_000321.3 (MANE Select); 3 bases into the intron before coding-DNA position 501, C replaced by A.
Molecular consequence: intron variant.
Genome position (GRCh38, 1-based): chr13:48,347,822, C>A. VCF-style: chr13-48347822-C-A. GRCh37 (hg19) VCF-style: chr13-48921958-C-A.
Other names: c.501-3C>A (NM_001407165.1, NM_001407166.1).
Identifiers: ClinVar variation 3430923 (VCV003430923.1).

ClinVar aggregate classification (germline): Uncertain significance (1 of 4 stars; one submission).

Conditions:
Hereditary cancer-predisposing syndrome. Also called: Neoplastic Syndromes, Hereditary; Tumor predisposition; Hereditary Cancer Syndrome; Hereditary neoplastic syndrome. Identifiers: Orphanet 140162, MedGen C0027672, MeSH D009386, MONDO:0015356.

Submission:

Ambry Genetics
Classification: Uncertain significance for Hereditary cancer-predisposing syndrome. Last evaluated: 2024-12-02. Review status: criteria provided, single submitter. Criteria: Ambry Variant Classification Scheme 2023. Collection method: clinical testing. Allele origin: germline.
Comment: The c.501-3C>A intronic variant results from a C to A substitution 3 nucleotides upstream from coding exon 5 in the RB1 gene. This variant was reported in individual(s) with retinoblastoma (Ambry internal data). This nucleotide position is not well conserved in available vertebrate species. In silico splice site analysis predicts that this alteration may weaken the native splice acceptor site; however, direct evidence is insufficient at this time (Ambry internal data). Based on the available evidence, the clinical significance of this variant remains unclear.